The following is an entry in ClinVar:

ClinVar aggregate classification (germline): Uncertain significance (1 of 4 stars; one submission).

Conditions:
Severe combined immunodeficiency, autosomal recessive, T cell-negative, B cell-negative, NK cell-positive. Also called: SCID, T CELL-NEGATIVE, B CELL-NEGATIVE, NK CELL-POSITIVE; Severe combined immunodeficiency due to complete RAG1/2 deficiency; SCID, AR, T-cell negative, B-cell negative, NK cell-positive. Identifiers: Orphanet 331206, MedGen C1832322, MONDO:0011086, OMIM 601457.
Combined immunodeficiency with skin granulomas. Identifiers: Orphanet 157949, MedGen C2673536, MONDO:0009306, OMIM 233650.

Allele frequency attached by ClinVar (database versions not stated): gnomAD exomes below 0.00001; TOPMed below 0.00001; gnomAD 0.00001.

Submission:

Labcorp Genetics (formerly Invitae), Labcorp
Classification: Uncertain significance for Combined immunodeficiency with skin granulomas; Severe combined immunodeficiency, autosomal recessive, T cell-negative, B cell-negative, NK cell-positive. Last evaluated: 2024-02-17. Review status: criteria provided, single submitter. Criteria: Invitae Variant Classification Sherloc (09022015). Collection method: clinical testing. Allele origin: germline.
Comment: This sequence change replaces phenylalanine, which is neutral and non-polar, with tyrosine, which is neutral and polar, at codon 701 of the RAG1 protein (p.Phe701Tyr). This variant is not present in population databases (gnomAD no frequency). This variant has not been reported in the literature in individuals affected with RAG1-related conditions. ClinVar contains an entry for this variant (Variation ID: 1480007). Advanced modeling of protein sequence and biophysical properties (such as structural, functional, and spatial information, amino acid conservation, physicochemical variation, residue mobility, and thermodynamic stability) has been performed at Invitae for this missense variant, however the output from this modeling did not meet the statistical confidence thresholds required to predict the impact of this variant on RAG1 protein function. In summary, the available evidence is currently insufficient to determine the role of this variant in disease. Therefore, it has been classified as a Variant of Uncertain Significance.

NM_000448.3(RAG1):c.2102T>A (p.Phe701Tyr)

Gene: RAG1 (recombination activating 1; plus strand). Cytogenetic location: 11p12.
Variant type: single nucleotide variant.
Coding change: c.2102T>A on transcript NM_000448.3 (MANE Select); coding-DNA position 2102, T replaced by A.
Protein change: p.Phe701Tyr; replaces phenylalanine 701 with tyrosine.
Molecular consequence: missense variant.
Genome position (GRCh38, 1-based): chr11:36,575,406, T>A. VCF-style: chr11-36575406-T-A. GRCh37 (hg19) VCF-style: chr11-36596956-T-A.
Other names: c.2102T>A, p.Phe701Tyr (NM_001377277.1, NM_001377278.1, NM_001377279.1 and 1 more transcripts); short protein forms F701Y.
Identifiers: ClinVar variation 1480007 (VCV001480007.7), dbSNP rs1197216177, ClinGen allele CA380153994.